The following is an entry in ClinVar:

ClinVar aggregate classification (germline): Uncertain significance. Review status: criteria provided, multiple submitters, no conflicts (2 of 4 stars). 4 submissions from 4 submitters: Uncertain significance (3). 1 of the submissions does not count toward it. Last evaluated 2026-02-02.

Conditions:
Inborn genetic diseases. Identifiers: MedGen C0950123, MeSH D030342.
TH-deficient dopa-responsive dystonia. Also called: DYT-TH; Tyrosine Hydroxylase-Deficient Dopa-Responsive Dystonia; Segawa syndrome, autosomal recessive. Identifiers: Orphanet 101150, MedGen C2673535, MONDO:0011551, OMIM 605407.

Allele frequency attached by ClinVar (database versions not stated): gnomAD 0.00001; TOPMed 0.00003.

Submissions (4):

Labcorp Genetics (formerly Invitae), Labcorp
Classification: Uncertain significance for TH-deficient dopa-responsive dystonia. Last evaluated: 2026-02-02. Review status: criteria provided, single submitter. Criteria: Invitae Variant Classification Sherloc (09022015). Collection method: clinical testing. Allele origin: germline.
Comment: This sequence change replaces proline, which is neutral and non-polar, with leucine, which is neutral and non-polar, at codon 37 of the TH protein (p.Pro37Leu). The frequency data for this variant in the population databases is considered unreliable, as metrics indicate poor data quality at this position in the gnomAD database. This variant has not been reported in the literature in individuals affected with TH-related conditions. ClinVar contains an entry for this variant (Variation ID: 550015). Invitae Evidence Modeling of protein sequence and biophysical properties (such as structural, functional, and spatial information, amino acid conservation, physicochemical variation, residue mobility, and thermodynamic stability) indicates that this missense variant is not expected to disrupt TH protein function with a negative predictive value of 95%. In summary, the available evidence is currently insufficient to determine the role of this variant in disease. Therefore, it has been classified as a Variant of Uncertain Significance.

Ambry Genetics
Classification: Uncertain significance for Inborn genetic diseases. Last evaluated: 2025-08-10. Review status: criteria provided, single submitter. Criteria: Ambry Variant Classification Scheme 2023. Collection method: clinical testing. Allele origin: germline.

Fulgent Genetics
Classification: Uncertain significance for TH-deficient dopa-responsive dystonia. Last evaluated: 2021-07-27. Review status: criteria provided, single submitter. Criteria: ACMG Guidelines, 2015. Collection method: clinical testing. Allele origin: unknown.

Counsyl
Classification: Uncertain significance for TH-deficient dopa-responsive dystonia. Last evaluated: 2017-12-28. Review status: no assertion criteria provided. Collection method: clinical testing. Allele origin: unknown. Not counted in ClinVar's aggregate classification.

NM_000360.4(TH):c.91-892C>T

Gene: TH (tyrosine hydroxylase; minus strand). Cytogenetic location: 11p15.5.
Variant type: single nucleotide variant.
Coding change: c.91-892C>T on transcript NM_000360.4 (MANE Select); 892 bases into the intron before coding-DNA position 91, C replaced by T.
Molecular consequence: intron variant. On other transcripts: missense variant (2).
Genome position (GRCh38, 1-based): chr11:2,170,763, G>A on the plus strand (C>T on the coding strand, the complement: TH is on the minus strand). VCF-style: chr11-2170763-G-A. GRCh37 (hg19) VCF-style: chr11-2191993-G-A.
Other names: c.110C>T, p.Pro37Leu (NM_199292.3); c.98C>T, p.Pro33Leu (NM_199293.3); short protein forms P37L, P33L.
Identifiers: ClinVar variation 550015 (VCV000550015.7), dbSNP rs775961364, ClinGen allele CA5818829.